The following is an entry in ClinVar:

NM_001370298.3(FGD4):c.1602+13C>T

Gene: FGD4 (FYVE, RhoGEF and PH domain containing 4; plus strand). Cytogenetic location: 12p11.21.
Variant type: single nucleotide variant.
Coding change: c.1602+13C>T on transcript NM_001370298.3 (MANE Select); 13 bases into the intron after coding-DNA position 1602, C replaced by T.
Molecular consequence: intron variant.
Genome position (GRCh38, 1-based): chr12:32,610,847, C>T. VCF-style: chr12-32610847-C-T. GRCh37 (hg19) VCF-style: chr12-32763781-C-T.
Other names: c.1602+13C>T (NM_001384126.1); c.1446+13C>T (NM_001304481.2); c.912+13C>T (NM_001330374.2, NM_001330373.2, NM_001384130.1); c.1191+13C>T (NM_139241.3, NM_001384127.1, NM_001385118.1 and 1 more transcripts); c.159+13C>T (NM_001304484.2); c.639+13C>T (NM_001370297.1); c.447+13C>T (NM_001304483.2).
Identifiers: ClinVar variation 388346 (VCV000388346.9), dbSNP rs557373932, ClinGen allele CA6506827.

ClinVar aggregate classification (germline): Likely benign. Review status: criteria provided, multiple submitters, no conflicts (2 of 4 stars). 2 submissions from 2 submitters: Likely benign (2). Last evaluated 2026-01-28.

Conditions:
Charcot-Marie-Tooth disease type 4. Also called: Charcot-Marie-Tooth disease, type IV; Charcot-Marie-Tooth, Type 4. Identifiers: Orphanet 64749, MedGen C4082197, MONDO:0018995.

Allele frequency attached by ClinVar (database versions not stated): gnomAD 0.00005 and 0.00009; TOPMed 0.00005; ExAC 0.00007; gnomAD exomes 0.00007 and 0.00008; 1000 Genomes Project 30x 0.00031; 1000 Genomes Project 0.00040.
gnomAD v4.1: 120 of 1,612,834 alleles (0.0074%); highest among the groups gnomAD compares: Admixed American, 0.022%; 3 homozygotes.

Submissions (2):

Labcorp Genetics (formerly Invitae), Labcorp
Classification: Likely benign for Charcot-Marie-Tooth disease type 4. Last evaluated: 2026-01-28. Review status: criteria provided, single submitter. Criteria: Invitae Variant Classification Sherloc (09022015). Collection method: clinical testing. Allele origin: germline.

GeneDx
Classification: Likely benign. Last evaluated: 2016-08-05. Review status: criteria provided, single submitter. Criteria: GeneDx Variant Classification (06012015). Collection method: clinical testing. Allele origin: germline. Affected: yes.
Comment: This variant is considered likely benign or benign based on one or more of the following criteria: it is a conservative change, it occurs at a poorly conserved position in the protein, it is predicted to be benign by multiple in silico algorithms, and/or has population frequency not consistent with disease.